The following is an entry in ClinVar:

NM_001372.4(DNAH9):c.731A>G (p.Glu244Gly)

Gene: DNAH9 (dynein axonemal heavy chain 9; plus strand). Cytogenetic location: 17p12.
Variant type: single nucleotide variant.
Coding change: c.731A>G on transcript NM_001372.4 (MANE Select); coding-DNA position 731, A replaced by G.
Protein change: p.Glu244Gly; replaces glutamic acid 244 with glycine.
Molecular consequence: missense variant.
Genome position (GRCh38, 1-based): chr17:11,610,512, A>G. VCF-style: chr17-11610512-A-G. GRCh37 (hg19) VCF-style: chr17-11513829-A-G.
Other names: short protein forms E244G.
Identifiers: ClinVar variation 4013363 (VCV004013363.2).
Genomic context (GRCh38, chr17:11,610,512, plus strand): 5'-GGAGCTACCAAGTCCAGGTGGTACTCAAGAGAGAGTCTTCCCAGCCACTCTTACAAGGGG[A>G]GAATCCCACCCCTAAGGTGGAGTTGGAGTTCTGGAAGAGCAGGTAGGCAAGAAGGCACAT-3'
Protein context (NP_001363.2, residues 234-254): RESSQPLLQG[Glu244Gly]NPTPKVELEF

ClinVar aggregate classification (germline): Uncertain significance. Review status: criteria provided, multiple submitters, no conflicts (2 of 4 stars). 2 submissions from 2 submitters: Uncertain significance (2). Last evaluated 2025-08-29.

Conditions:
Inborn genetic diseases. Identifiers: MedGen C0950123, MeSH D030342.

Submissions (2):

Labcorp Genetics (formerly Invitae), Labcorp
Classification: Uncertain significance. Last evaluated: 2025-08-29. Review status: criteria provided, single submitter. Criteria: Invitae Variant Classification Sherloc (09022015). Collection method: clinical testing. Allele origin: germline.
Comment: This sequence change replaces glutamic acid, which is acidic and polar, with glycine, which is neutral and non-polar, at codon 244 of the DNAH9 protein (p.Glu244Gly). This variant is not present in population databases (gnomAD no frequency). This variant has not been reported in the literature in individuals affected with DNAH9-related conditions. ClinVar contains an entry for this variant (Variation ID: 4013363). Invitae Evidence Modeling of protein sequence and biophysical properties (such as structural, functional, and spatial information, amino acid conservation, physicochemical variation, residue mobility, and thermodynamic stability) indicates that this missense variant is not expected to disrupt DNAH9 protein function with a negative predictive value of 80%. In summary, the available evidence is currently insufficient to determine the role of this variant in disease. Therefore, it has been classified as a Variant of Uncertain Significance.

Ambry Genetics
Classification: Uncertain significance for Inborn genetic diseases. Last evaluated: 2025-04-08. Review status: criteria provided, single submitter. Criteria: Ambry Variant Classification Scheme 2023. Collection method: clinical testing. Allele origin: germline.